The following is an entry in ClinVar:

ClinVar aggregate classification (germline): Uncertain significance (1 of 4 stars; one submission).

Submission:

Ambry Genetics
Classification: Uncertain significance. Last evaluated: 2023-07-12. Review status: criteria provided, single submitter. Criteria: Ambry Variant Classification Scheme 2023. Collection method: clinical testing. Allele origin: germline.
Comment: The p.Q1244H variant (also known as c.3732A>T), located in coding exon 7 of the MLH3 gene, results from an A to T substitution at nucleotide position 3732. The glutamine at codon 1244 is replaced by histidine, an amino acid with highly similar properties. This amino acid position is conserved. In addition, this alteration is predicted to be tolerated by in silico analysis. Since supporting evidence is limited at this time, the clinical significance of this alteration remains unclear.

NM_001040108.2(MLH3):c.3732A>T (p.Gln1244His)

Gene: MLH3 (mutL homolog 3; minus strand). Cytogenetic location: 14q24.3.
Variant type: single nucleotide variant.
Coding change: c.3732A>T on transcript NM_001040108.2 (MANE Select); coding-DNA position 3732, A replaced by T.
Protein change: p.Gln1244His; replaces glutamine 1244 with histidine.
Molecular consequence: missense variant.
Genome position (GRCh38, 1-based): chr14:75,032,163, T>A on the plus strand (A>T on the coding strand, the complement: MLH3 is on the minus strand). VCF-style: chr14-75032163-T-A. GRCh37 (hg19) VCF-style: chr14-75498866-T-A.
Other names: c.3660A>T, p.Gln1220His (NM_014381.3); short protein forms Q1220H, Q1244H.
Identifiers: ClinVar variation 2624095 (VCV002624095.2), dbSNP rs1270908658, ClinGen allele CA390425032.